The following is an entry in ClinVar:

ClinVar aggregate classification (germline): Uncertain significance (1 of 4 stars; one submission).

Conditions:
Hypertrophic cardiomyopathy 1 (CMH1). Also called: Familial hypertrophic cardiomyopathy 1; MYH7-Related Familial Hypertrophic Cardiomyopathy. Identifiers: MedGen C3495498, MONDO:0008647, OMIM 192600.

Submission:

Institute of Human Genetics, University of Leipzig Medical Center
Classification: Uncertain significance for Hypertrophic cardiomyopathy 1. Last evaluated: 2025-08-12. Review status: criteria provided, single submitter. Criteria: ACMG Guidelines, 2015. Collection method: clinical testing. Allele origin: unknown. Inheritance: Autosomal dominant inheritance. Affected: yes.
Comment: Criteria applied: PM1,PM2_SUP,PP3

NM_000257.4(MYH7):c.2276G>T (p.Gly759Val)

Gene: MYH7 (myosin heavy chain 7; minus strand). Cytogenetic location: 14q11.2.
Variant type: single nucleotide variant.
Coding change: c.2276G>T on transcript NM_000257.4 (MANE Select); coding-DNA position 2276, G replaced by T.
Protein change: p.Gly759Val; replaces glycine 759 with valine.
Molecular consequence: missense variant.
Genome position (GRCh38, 1-based): chr14:23,425,705, C>A on the plus strand (G>T on the coding strand, the complement: MYH7 is on the minus strand). VCF-style: chr14-23425705-C-A. GRCh37 (hg19) VCF-style: chr14-23894914-C-A.
Other names: c.2276G>T, p.Gly759Val (NM_001407004.1); short protein forms G759V.
Identifiers: ClinVar variation 4279006 (VCV004279006.1).